The following is an entry in ClinVar:

ClinVar aggregate classification (germline): Conflicting classifications of pathogenicity. Review status: criteria provided, conflicting classifications (1 of 4 stars). 2 submissions from 2 submitters: Uncertain significance (1); Likely benign (1). Last evaluated 2025-07-23.

Allele frequency attached by ClinVar (database versions not stated): ExAC 0.00001; gnomAD exomes 0.00001; gnomAD 0.00002; TOPMed 0.00003.
gnomAD v4.1: 8 of 1,613,942 alleles (0.0005%); highest among the groups gnomAD compares: Admixed American, 0.005%; no homozygotes.

Submissions (2):

Labcorp Genetics (formerly Invitae), Labcorp
Classification: Uncertain significance. Last evaluated: 2025-07-23. Review status: criteria provided, single submitter. Criteria: Invitae Variant Classification Sherloc (09022015). Collection method: clinical testing. Allele origin: germline.
Comment: This sequence change replaces arginine, which is basic and polar, with glutamine, which is neutral and polar, at codon 441 of the PPP2R5D protein (p.Arg441Gln). This variant is present in population databases (rs748607156, gnomAD 0.006%). This variant has not been reported in the literature in individuals affected with PPP2R5D-related conditions. ClinVar contains an entry for this variant (Variation ID: 1506040). An algorithm developed to predict the effect of missense changes on protein structure and function (PolyPhen-2) suggests that this variant is likely to be tolerated. In summary, the available evidence is currently insufficient to determine the role of this variant in disease. Therefore, it has been classified as a Variant of Uncertain Significance.

CeGaT Center for Human Genetics Tuebingen
Classification: Likely benign. Last evaluated: 2023-08-01. Review status: criteria provided, single submitter. Criteria: CeGaT Center For Human Genetics Tuebingen Variant Classification Criteria Version 2. Collection method: clinical testing. Allele origin: germline. Affected: yes. Observed: 1 variant allele.
Comment: PPP2R5D: PP2, BP4, BS2

NM_006245.4(PPP2R5D):c.1322G>A (p.Arg441Gln)

Gene: PPP2R5D (protein phosphatase 2 regulatory subunit B'delta; plus strand). Cytogenetic location: 6p21.1.
Variant type: single nucleotide variant.
Coding change: c.1322G>A on transcript NM_006245.4 (MANE Select); coding-DNA position 1322, G replaced by A.
Protein change: p.Arg441Gln; replaces arginine 441 with glutamine.
Molecular consequence: missense variant.
Genome position (GRCh38, 1-based): chr6:43,009,392, G>A. VCF-style: chr6-43009392-G-A. GRCh37 (hg19) VCF-style: chr6-42977130-G-A.
Other names: c.869G>A, p.Arg290Gln (NM_001270476.2); c.1226G>A, p.Arg409Gln (NM_180976.3); c.1004G>A, p.Arg335Gln (NM_180977.3); short protein forms R409Q, R290Q, R335Q, R441Q.
Identifiers: ClinVar variation 1506040 (VCV001506040.30), dbSNP rs748607156, ClinGen allele CA3812034.